The following is an entry in ClinVar:

ClinVar aggregate classification (germline): Uncertain significance (1 of 4 stars; one submission).

Conditions:
NR2F1-related disorder. Also called: NR2F1-related condition.

Submission:

PreventionGenetics, part of Exact Sciences
Classification: Uncertain significance for NR2F1-related condition. Last evaluated: 2025-07-31. Review status: criteria provided, single submitter. Criteria: ACMG Guidelines, 2015. Collection method: clinical testing. Allele origin: germline.
Comment: The NR2F1 c.1102G>T variant is predicted to result in the amino acid substitution p.Gly368Cys. To our knowledge, this variant has not been reported in the literature. This variant is absent in a large population database (gnomAD), indicating this variant is rare. At this time, the clinical significance of this variant is uncertain due to the absence of conclusive functional and genetic evidence.

NM_005654.6(NR2F1):c.1102G>T (p.Gly368Cys)

Gene: NR2F1 (nuclear receptor subfamily 2 group F member 1; plus strand). Cytogenetic location: 5q15.
Variant type: single nucleotide variant.
Coding change: c.1102G>T on transcript NM_005654.6 (MANE Select); coding-DNA position 1102, G replaced by T.
Protein change: p.Gly368Cys; replaces glycine 368 with cysteine.
Molecular consequence: missense variant.
Genome position (GRCh38, 1-based): chr5:93,593,672, G>T. VCF-style: chr5-93593672-G-T. GRCh37 (hg19) VCF-style: chr5-92929378-G-T.
Other names: c.652G>T, p.Gly218Cys (NM_001410754.1); short protein forms G218C, G368C.
Identifiers: ClinVar variation 4998145 (VCV004998145.1).